The following is an entry in ClinVar:

ClinVar aggregate classification (germline): Uncertain significance (1 of 4 stars; one submission).

Conditions:
Inborn genetic diseases. Identifiers: MedGen C0950123, MeSH D030342.

Submission:

Ambry Genetics
Classification: Uncertain significance for Inborn genetic diseases. Last evaluated: 2024-11-25. Review status: criteria provided, single submitter. Criteria: Ambry Variant Classification Scheme 2023. Collection method: clinical testing. Allele origin: germline.
Comment: The p.E1047Q variant (also known as c.3139G>C), located in coding exon 18 of the RECQL4 gene, results from a G to C substitution at nucleotide position 3139. The glutamic acid at codon 1047 is replaced by glutamine, an amino acid with highly similar properties. This amino acid position is conserved. In addition, this alteration is predicted to be tolerated by in silico analysis. Based on the available evidence, the clinical significance of this variant remains unclear.

NM_004260.4(RECQL4):c.3139G>C (p.Glu1047Gln)

Gene: RECQL4 (RecQ like helicase 4; minus strand). Cytogenetic location: 8q24.3.
Variant type: single nucleotide variant.
Coding change: c.3139G>C on transcript NM_004260.4 (MANE Select); coding-DNA position 3139, G replaced by C.
Protein change: p.Glu1047Gln; replaces glutamic acid 1047 with glutamine.
Molecular consequence: missense variant. On other transcripts: non-coding transcript variant (3).
Genome position (GRCh38, 1-based): chr8:144,512,241, C>G on the plus strand (G>C on the coding strand, the complement: RECQL4 is on the minus strand). VCF-style: chr8-144512241-C-G. GRCh37 (hg19) VCF-style: chr8-145737624-C-G.
Other names: c.2845G>C, p.Glu949Gln (NM_001413017.1); c.2941G>C, p.Glu981Gln (NM_001413018.1); c.3214G>C, p.Glu1072Gln (NM_001413019.1); c.3043G>C, p.Glu1015Gln (NM_001413020.1); c.2068G>C, p.Glu690Gln (NM_001413021.1, NM_001413022.1, NM_001413024.1 and 4 more transcripts); c.2143G>C, p.Glu715Gln (NM_001413023.1); c.3010G>C, p.Glu1004Gln (NM_001413025.1); c.2002G>C, p.Glu668Gln (NM_001413027.1, NM_001413030.1, NM_001413032.1); and 9 more; short protein forms E1003Q, E668Q, E693Q, E981Q, E1004Q, E1015Q, E680Q, E1037Q.
Identifiers: ClinVar variation 3431871 (VCV003431871.1).